The following is an entry in ClinVar:

NM_001142459.2(ASB10):c.316+10G>A

Gene: ASB10 (ankyrin repeat and SOCS box containing 10; minus strand). Cytogenetic location: 7q36.1.
Variant type: single nucleotide variant.
Coding change: c.316+10G>A on transcript NM_001142459.2 (MANE Select); 10 bases into the intron after coding-DNA position 316, G replaced by A.
Molecular consequence: intron variant.
Genome position (GRCh38, 1-based): chr7:151,186,805, C>T on the plus strand (G>A on the coding strand, the complement: ASB10 is on the minus strand). VCF-style: chr7-151186805-C-T. GRCh37 (hg19) VCF-style: chr7-150883892-C-T.
Other names: c.316+10G>A (NM_001142459.1, NM_001142460.1); c.272-146G>A (NM_080871.4).
Identifiers: ClinVar variation 1251591 (VCV001251591.13), dbSNP rs10275136, ClinGen allele CA4573935.

ClinVar aggregate classification (germline): Benign. Review status: criteria provided, multiple submitters, no conflicts (2 of 4 stars). 4 submissions from 4 submitters: Benign (3). 1 of the submissions does not count toward it. Last evaluated 2026-02-02.

Conditions:
ASB10-related disorder. Also called: ASB10-related condition.

Allele frequency attached by ClinVar (database versions not stated): TOPMed 0.10630; ESP Exome Variant Server 0.10727; 1000 Genomes Project 0.10763; 1000 Genomes Project 30x 0.11149.

Submissions (4):

Labcorp Genetics (formerly Invitae), Labcorp
Classification: Benign. Last evaluated: 2026-02-02. Review status: criteria provided, single submitter. Criteria: Invitae Variant Classification Sherloc (09022015). Collection method: clinical testing. Allele origin: germline.

GeneDx
Classification: Benign. Last evaluated: 2018-06-26. Review status: criteria provided, single submitter. Criteria: GeneDx Variant Classification Process June 2021. Collection method: clinical testing. Allele origin: germline. Affected: yes.

Breakthrough Genomics
Classification: Benign. Review status: criteria provided, single submitter. Criteria: ACMG Guidelines, 2015. Collection method: not provided. Allele origin: germline. Inheritance: Autosomal dominant inheritance. Affected: yes.

PreventionGenetics, part of Exact Sciences
Classification: Benign for ASB10-related condition. Last evaluated: 2019-11-12. Review status: no assertion criteria provided. Collection method: clinical testing. Allele origin: germline. Not counted in ClinVar's aggregate classification.
Comment: This variant is classified as benign based on ACMG/AMP sequence variant interpretation guidelines (Richards et al. 2015 PMID: 25741868, with internal and published modifications).